The following is an entry in ClinVar:

ClinVar aggregate classification (germline): Benign. Review status: criteria provided, multiple submitters, no conflicts (2 of 4 stars). 3 submissions from 3 submitters: Benign (2). 1 of the submissions does not count toward it. Last evaluated 2026-01-24.

Conditions:
KSR2-related disorder. Also called: KSR2-related condition.

Allele frequency attached by ClinVar (database versions not stated): TOPMed 0.02451; ESP Exome Variant Server 0.02518; 1000 Genomes Project 30x 0.02264; 1000 Genomes Project 0.02077.
gnomAD v4.1: 6,909 of 1,608,388 alleles (0.43%); highest among the groups gnomAD compares: African/African-American, 7.5%; 201 homozygotes.

Submissions (3):

Labcorp Genetics (formerly Invitae), Labcorp
Classification: Benign. Last evaluated: 2026-01-24. Review status: criteria provided, single submitter. Criteria: Invitae Variant Classification Sherloc (09022015). Collection method: clinical testing. Allele origin: germline.

Breakthrough Genomics
Classification: Benign. Review status: criteria provided, single submitter. Criteria: ACMG Guidelines, 2015. Collection method: not provided. Allele origin: germline. Inheritance: Unknown mechanism. Affected: yes.

PreventionGenetics, part of Exact Sciences
Classification: Benign for KSR2-related condition. Last evaluated: 2019-08-09. Review status: no assertion criteria provided. Collection method: clinical testing. Allele origin: germline. Not counted in ClinVar's aggregate classification.
Comment: This variant is classified as benign based on ACMG/AMP sequence variant interpretation guidelines (Richards et al. 2015 PMID: 25741868, with internal and published modifications).

NM_173598.6(KSR2):c.1605C>G (p.Pro535=)

Gene: KSR2 (kinase suppressor of ras 2; minus strand). Cytogenetic location: 12q24.22.
Variant type: single nucleotide variant.
Coding change: c.1605C>G on transcript NM_173598.6 (MANE Select); coding-DNA position 1605, C replaced by G.
Protein change: p.Pro535=; no amino-acid change (proline 535 retained).
Molecular consequence: synonymous variant.
Genome position (GRCh38, 1-based): chr12:117,539,801, G>C on the plus strand (C>G on the coding strand, the complement: KSR2 is on the minus strand). VCF-style: chr12-117539801-G-C. GRCh37 (hg19) VCF-style: chr12-117977606-G-C.
Identifiers: ClinVar variation 779610 (VCV000779610.11), dbSNP rs56143626, ClinGen allele CA6815983.